The following is an entry in ClinVar:

ClinVar aggregate classification (germline): Uncertain significance (1 of 4 stars; one submission).

Conditions:
Familial thoracic aortic aneurysm and aortic dissection (TAAD). Also called: Thoracic aortic aneurysms and dissections. Identifiers: Orphanet 91387, MedGen C4707243, MONDO:0019625.

gnomAD v4.1: 1 of 1,211,234 alleles (0.000083%); no homozygotes.

Submission:

Ambry Genetics
Classification: Uncertain significance for Familial thoracic aortic aneurysm and aortic dissection. Last evaluated: 2024-02-14. Review status: criteria provided, single submitter. Criteria: Ambry Variant Classification Scheme 2023. Collection method: clinical testing. Allele origin: germline.
Comment: The p.I2410F variant (also known as c.7228A>T), located in coding exon 43 of the FLNA gene, results from an A to T substitution at nucleotide position 7228. The isoleucine at codon 2410 is replaced by phenylalanine, an amino acid with highly similar properties. This amino acid position is well conserved in available vertebrate species. In addition, the in silico prediction for this alteration is inconclusive. Based on the available evidence, the clinical significance of this alteration remains unclear.

NM_001110556.2(FLNA):c.7252A>T (p.Ile2418Phe)

Gene: FLNA (filamin A; minus strand). Cytogenetic location: Xq28.
Variant type: single nucleotide variant.
Coding change: c.7252A>T on transcript NM_001110556.2 (MANE Select); coding-DNA position 7252, A replaced by T.
Protein change: p.Ile2418Phe; replaces isoleucine 2418 with phenylalanine.
Molecular consequence: missense variant.
Genome position (GRCh38, 1-based): chrX:154,350,112, T>A on the plus strand (A>T on the coding strand, the complement: FLNA is on the minus strand). VCF-style: chrX-154350112-T-A. GRCh37 (hg19) VCF-style: chrX-153578480-T-A.
Other names: c.7228A>T, p.Ile2410Phe (NM_001456.4); short protein forms I2418F, I2410F.
Identifiers: ClinVar variation 1757787 (VCV001757787.2), dbSNP rs2522714913, ClinGen allele CA415183927.
Genomic context (GRCh38, chrX:154,350,112, plus strand): 5'-CTGCTCCGTAAGCAGACACCAAGCCTGGGTCCCCTCCATGCCCAGGCTCCCCAACTCGGA[T>A]CTTGAAGGGGCTTCCAGGGATGTGGGTGCCGTTGAACTTGACGTCAATCAGGTAAACGCC-3'
Protein context (NP_001104026.1, residues 2408-2428): GTHIPGSPFK[Ile2418Phe]RVGEPGHGGD